The following is an entry in ClinVar:

ClinVar aggregate classification (germline): Uncertain significance. Review status: criteria provided, multiple submitters, no conflicts (2 of 4 stars). 3 submissions from 3 submitters: Uncertain significance (3). Last evaluated 2023-11-02.

Conditions:
Dias-Logan syndrome. Also called: INTELLECTUAL DEVELOPMENTAL DISORDER WITH HEREDITARY PERSISTENCE OF FETAL HEMOGLOBIN; Intellectual developmental disorder with persistence of fetal hemoglobin. Identifiers: Orphanet 619233, MedGen C4310833, MONDO:0014914, OMIM 617101.
Inborn genetic diseases. Identifiers: MedGen C0950123, MeSH D030342.

Allele frequency attached by ClinVar (database versions not stated): ExAC 0.00002.
gnomAD v4.1: 3 of 1,614,132 alleles (0.00019%); highest among the groups gnomAD compares: South Asian, 0.0033%; no homozygotes.

Submissions (3):

Ambry Genetics
Classification: Uncertain significance for Inborn genetic diseases. Last evaluated: 2023-11-02. Review status: criteria provided, single submitter. Criteria: Ambry Variant Classification Scheme 2023. Collection method: clinical testing. Allele origin: germline.

Revvity Omics, Revvity
Classification: Uncertain significance for Dias-Logan syndrome. Last evaluated: 2022-08-30. Review status: criteria provided, single submitter. Criteria: ACMG Guidelines, 2015. Collection method: clinical testing. Allele origin: germline.

Neuberg Centre For Genomic Medicine, NCGM
Classification: Uncertain significance for Dias-Logan syndrome. Review status: criteria provided, single submitter. Criteria: ACMG Guidelines, 2015. Collection method: clinical testing. Allele origin: germline. Inheritance: Autosomal dominant inheritance. Affected: yes.
Comment: The missense c.2188C>A(p.Pro730Thr) variant in BCL11A gene has not been reported previously as a pathogenic variant nor a benign variant, to our knowledge. The p.Pro730Thr variant has been reported with allele frequency of 0.0008% ing gnomAD Exomes and is novel (not in any individuals) in 1000 Genomes. This variant has not been reported to the ClinVar database. The amino acid change p.Pro730Thr in BCL11A is predicted as conserved by GERP++ and PhyloP across 100 vertebrates. The amino acid Pro at position 730 is changed to a Thr changing protein sequence and it might alter its composition and physico-chemical properties. For these reasons, this variant has been classified as a Variant of Uncertain Significance (VUS).

NM_022893.4(BCL11A):c.2188C>A (p.Pro730Thr)

Gene: BCL11A (BCL11 transcription factor A; minus strand). Cytogenetic location: 2p16.1.
Variant type: single nucleotide variant.
Coding change: c.2188C>A on transcript NM_022893.4 (MANE Select); coding-DNA position 2188, C replaced by A.
Protein change: p.Pro730Thr; replaces proline 730 with threonine.
Molecular consequence: missense variant. On other transcripts: intron variant (6).
Genome position (GRCh38, 1-based): chr2:60,460,724, G>T on the plus strand (C>A on the coding strand, the complement: BCL11A is on the minus strand). VCF-style: chr2-60460724-G-T. GRCh37 (hg19) VCF-style: chr2-60687859-G-T.
Other names: c.2086C>A, p.Pro696Thr (NM_001363864.1, NM_001365609.1, NM_001405711.1 and 2 more transcripts); c.2188C>A, p.Pro730Thr (NM_001405708.1, NM_001405709.1, NM_001405710.1 and 1 more transcripts); c.2032C>A, p.Pro678Thr (NM_001405713.1, NM_001405714.1, NM_001405715.1 and 3 more transcripts); c.1930C>A, p.Pro644Thr (NM_001405717.1, NM_001405718.1, NM_001405724.1); c.1651C>A, p.Pro551Thr (NM_001405730.1); c.1195C>A, p.Pro399Thr (NM_001405731.1); c.630+1558C>A (NM_138559.2, NM_001405732.1); c.528+1558C>A (NM_001405733.1); and 6 more; short protein forms P399T, P499T, P551T, P578T, P619T, P644T, P678T, P696T.
Identifiers: ClinVar variation 2439486 (VCV002439486.5), dbSNP rs775970880, ClinGen allele CA1670974.